The following is an entry in ClinVar:

NM_000274.4(OAT):c.901-2A>G

Gene: OAT (ornithine aminotransferase; minus strand). Cytogenetic location: 10q26.13.
Variant type: single nucleotide variant.
Coding change: c.901-2A>G on transcript NM_000274.4 (MANE Select); the canonical splice acceptor site of the intron before coding-DNA position 901, A replaced by G.
Molecular consequence: splice acceptor variant.
Genome position (GRCh38, 1-based): chr10:124,401,841, T>C on the plus strand (A>G on the coding strand, the complement: OAT is on the minus strand). VCF-style: chr10-124401841-T-C. GRCh37 (hg19) VCF-style: chr10-126090410-T-C.
Other names: c.901-2A>G (NM_001322965.2, NM_001322969.2, NM_001322966.2 and 3 more transcripts); c.487-2A>G (NM_001171814.2); c.301-2A>G (NM_001322974.2); c.580-2A>G (NM_001322971.2).
Identifiers: ClinVar variation 56137 (VCV000056137.2), dbSNP rs386833619, ClinGen allele CA144182.
Genomic context (GRCh38, chr10:124,401,841, plus strand): 5'-CCATGCTCCCCTGGCTTAATGGTCAGCATGATGTCATCATCACACAGCACTGCAGACACC[T>C]GAAAGACAGTCAATTCACCATGTCATTTCTCAGCACTAAGCATTCTACTAAGCATCCTTT-3'

ClinVar aggregate classification (germline): Likely pathogenic (0 of 4 stars; one submission).

Conditions:
Ornithine aminotransferase deficiency (GACR). Also called: OAT DEFICIENCY; OKT DEFICIENCY; Ornithine ketoacid aminotransferase deficiency; Gyrate atrophy; Gyrate atrophy of choroid and retina; Girate atrophy of the retina. Identifiers: Orphanet 414, MedGen C0018425, MONDO:0009796, OMIM 258870.

Submission:

Juha Muilu Group; Institute for Molecular Medicine Finland (FIMM)
Classification: Likely pathogenic for Ornithine aminotransferase deficiency. Review status: no assertion criteria provided. Collection method: not provided. Allele origin: unknown.
Comment: FinDis database variant: This variant was not found or characterized by our laboratory, data were collected from public sources: see reference
ClinVar note: Converted during submission from probable-pathogenic to Likely pathogenic.